The following is an entry in ClinVar:

NM_004974.4(KCNA2):c.141G>T (p.Gln47His)

Gene: KCNA2 (potassium voltage-gated channel subfamily A member 2; minus strand). Cytogenetic location: 1p13.3.
Variant type: single nucleotide variant.
Coding change: c.141G>T on transcript NM_004974.4 (MANE Select); coding-DNA position 141, G replaced by T.
Protein change: p.Gln47His; replaces glutamine 47 with histidine.
Molecular consequence: missense variant.
Genome position (GRCh38, 1-based): chr1:110,604,642, C>A on the plus strand (G>T on the coding strand, the complement: KCNA2 is on the minus strand). VCF-style: chr1-110604642-C-A. GRCh37 (hg19) VCF-style: chr1-111147264-C-A.
Other names: c.141G>T, p.Gln47His (NM_001204269.2); short protein forms Q47H.
Identifiers: ClinVar variation 2184336 (VCV002184336.4), dbSNP rs1313231897, ClinGen allele CA341606685.

ClinVar aggregate classification (germline): Uncertain significance (1 of 4 stars; one submission).

Conditions:
Developmental and epileptic encephalopathy, 32 (DEE32). Also called: Epileptic encephalopathy, early infantile, 32. Identifiers: Orphanet 442835, MedGen C4225350, MONDO:0014607, OMIM 616366.

Allele frequency attached by ClinVar (database versions not stated): gnomAD 0.00001; TOPMed 0.00001.
gnomAD v4.1: 1 of 1,614,082 alleles (0.000062%); highest among the groups gnomAD compares: Admixed American, 0.0017%; no homozygotes.

Submission:

Labcorp Genetics (formerly Invitae), Labcorp
Classification: Uncertain significance for Developmental and epileptic encephalopathy, 32. Last evaluated: 2023-06-30. Review status: criteria provided, single submitter. Criteria: Invitae Variant Classification Sherloc (09022015). Collection method: clinical testing. Allele origin: germline.
Comment: In summary, the available evidence is currently insufficient to determine the role of this variant in disease. Therefore, it has been classified as a Variant of Uncertain Significance. Advanced modeling of protein sequence and biophysical properties (such as structural, functional, and spatial information, amino acid conservation, physicochemical variation, residue mobility, and thermodynamic stability) performed at Invitae indicates that this missense variant is not expected to disrupt KCNA2 protein function. ClinVar contains an entry for this variant (Variation ID: 2184336). This variant has not been reported in the literature in individuals affected with KCNA2-related conditions. This variant is not present in population databases (gnomAD no frequency). This sequence change replaces glutamine, which is neutral and polar, with histidine, which is basic and polar, at codon 47 of the KCNA2 protein (p.Gln47His).